The following is an entry in ClinVar:

ClinVar aggregate classification (germline): Uncertain significance (1 of 4 stars; one submission).

Conditions:
Long QT syndrome (LQTS). Identifiers: MedGen C0023976, MeSH D008133, MONDO:0002442. Disease mechanism: loss of function. Inheritance: Various modes of inheritance.

gnomAD v4.1: 2 of 1,133,932 alleles (0.00018%); highest among the groups gnomAD compares: Non-Finnish European, 0.00022%; no homozygotes.

Submission:

Labcorp Genetics (formerly Invitae), Labcorp
Classification: Uncertain significance for Long QT syndrome. Last evaluated: 2024-11-06. Review status: criteria provided, single submitter. Criteria: Invitae Variant Classification Sherloc (09022015). Collection method: clinical testing. Allele origin: germline.
Comment: This sequence change replaces alanine, which is neutral and non-polar, with glycine, which is neutral and non-polar, at codon 41 of the KCNQ1 protein (p.Ala41Gly). This variant is not present in population databases (gnomAD no frequency). This variant has not been reported in the literature in individuals affected with KCNQ1-related conditions. Invitae Evidence Modeling of protein sequence and biophysical properties (such as structural, functional, and spatial information, amino acid conservation, physicochemical variation, residue mobility, and thermodynamic stability) indicates that this missense variant is not expected to disrupt KCNQ1 protein function with a negative predictive value of 95%. In summary, the available evidence is currently insufficient to determine the role of this variant in disease. Therefore, it has been classified as a Variant of Uncertain Significance.

NM_000218.3(KCNQ1):c.122C>G (p.Ala41Gly)

Gene: KCNQ1 (potassium voltage-gated channel subfamily Q member 1; plus strand). Cytogenetic location: 11p15.5.
Variant type: single nucleotide variant.
Coding change: c.122C>G on transcript NM_000218.3 (MANE Select); coding-DNA position 122, C replaced by G.
Protein change: p.Ala41Gly; replaces alanine 41 with glycine.
Molecular consequence: missense variant. On other transcripts: 5 prime UTR variant (1).
Genome position (GRCh38, 1-based): chr11:2,445,220, C>G. VCF-style: chr11-2445220-C-G. GRCh37 (hg19) VCF-style: chr11-2466450-C-G.
Other names: c.122C>G, p.Ala41Gly (NM_001406836.1, NM_001406838.1); c.-241C>G (NM_001406837.1); short protein forms A41G.
Identifiers: ClinVar variation 3700792 (VCV003700792.1).
Genomic context (GRCh38, chr11:2,445,220, plus strand): 5'-CAGGCGCCCGGCGGGGCAGCGCGGGCCTGGCCAAGAAGTGCCCCTTCTCGCTGGAGCTGG[C>G]GGAGGGCGGCCCGGCGGGCGGCGCGCTCTACGCGCCCATCGCGCCCGGCGCCCCAGGTCC-3'
Protein context (NP_000209.2, residues 31-51): AKKCPFSLEL[Ala41Gly]EGGPAGGALY